The following is an entry in ClinVar:

ClinVar aggregate classification (germline): Likely benign. Review status: criteria provided, multiple submitters, no conflicts (2 of 4 stars). 3 submissions from 3 submitters: Likely benign (2). 1 of the submissions does not count toward it. Last evaluated 2024-04-22.

Conditions:
TSC2-related disorder. Also called: TSC2-related condition; TSC2-Related Disorders.
Hereditary cancer-predisposing syndrome. Also called: Tumor predisposition; Neoplastic Syndromes, Hereditary; Hereditary Cancer Syndrome; Hereditary neoplastic syndrome. Identifiers: Orphanet 140162, MedGen C0027672, MeSH D009386, MONDO:0015356.
Tuberous sclerosis 2 (TSC2). Identifiers: Orphanet 805, MedGen C1860707, MONDO:0013199, OMIM 613254.

gnomAD v4.1: 3 of 1,612,776 alleles (0.00019%); highest among the groups gnomAD compares: African/African-American, 0.0013%; no homozygotes.

Submissions (3):

Labcorp Genetics (formerly Invitae), Labcorp
Classification: Likely benign for Tuberous sclerosis 2. Last evaluated: 2024-04-22. Review status: criteria provided, single submitter. Criteria: Invitae Variant Classification Sherloc (09022015). Collection method: clinical testing. Allele origin: germline.

Ambry Genetics
Classification: Likely benign for Hereditary cancer-predisposing syndrome. Last evaluated: 2022-03-31. Review status: criteria provided, single submitter. Criteria: Ambry Variant Classification Scheme 2023. Collection method: clinical testing. Allele origin: germline.

PreventionGenetics, part of Exact Sciences
Classification: Likely benign for TSC2-related condition. Last evaluated: 2021-05-26. Review status: no assertion criteria provided. Collection method: clinical testing. Allele origin: germline. Not counted in ClinVar's aggregate classification.
Comment: This variant is classified as likely benign based on ACMG/AMP sequence variant interpretation guidelines (Richards et al. 2015 PMID: 25741868, with internal and published modifications).

NM_000548.5(TSC2):c.3232C>A (p.Arg1078=)

Gene: TSC2 (TSC complex subunit 2; plus strand). Cytogenetic location: 16p13.3.
Variant type: single nucleotide variant.
Coding change: c.3232C>A on transcript NM_000548.5 (MANE Select); coding-DNA position 3232, C replaced by A.
Protein change: p.Arg1078=; no amino-acid change (arginine 1078 retained).
Molecular consequence: synonymous variant.
Genome position (GRCh38, 1-based): chr16:2,079,376, C>A. VCF-style: chr16-2079376-C-A. GRCh37 (hg19) VCF-style: chr16-2129377-C-A.
Other names: c.3100C>A, p.Arg1034= (NM_001077183.3, NM_001370404.1); c.3232C>A, p.Arg1078= (NM_001114382.3); c.2992C>A, p.Arg998= (NM_001318827.2); c.2956C>A, p.Arg986= (NM_001318829.2); c.2500C>A, p.Arg834= (NM_001318831.2); c.3133C>A, p.Arg1045= (NM_001318832.2); c.3103C>A, p.Arg1035= (NM_001363528.2, NM_001370405.1, NM_021055.3); c.3232C>A (NM_000548.4).
Identifiers: ClinVar variation 413619 (VCV000413619.15), dbSNP rs78956195, ClinGen allele CA16615092.